The following is an entry in ClinVar:

ClinVar aggregate classification (germline): Uncertain significance. Review status: criteria provided, multiple submitters, no conflicts (2 of 4 stars). 2 submissions from 2 submitters: Uncertain significance (2). Last evaluated 2024-03-28.

Allele frequency attached by ClinVar (database versions not stated): TOPMed 0.00002; gnomAD exomes 0.00003; ExAC 0.00006; ESP Exome Variant Server 0.00008; 1000 Genomes Project 30x 0.00016; 1000 Genomes Project 0.00020.

Submissions (2):

Blueprint Genetics
Classification: Uncertain significance. Last evaluated: 2024-03-28. Review status: criteria provided, single submitter. Criteria: ACMG Guidelines, 2015. Collection method: clinical testing. Allele origin: germline.

Labcorp Genetics (formerly Invitae), Labcorp
Classification: Uncertain significance. Last evaluated: 2022-03-04. Review status: criteria provided, single submitter. Criteria: Invitae Variant Classification Sherloc (09022015). Collection method: clinical testing. Allele origin: germline.
Comment: This sequence change replaces arginine, which is basic and polar, with tryptophan, which is neutral and slightly polar, at codon 1260 of the TRPM1 protein (p.Arg1260Trp). This variant is present in population databases (rs372226363, gnomAD 0.03%). This variant has not been reported in the literature in individuals affected with TRPM1-related conditions. Algorithms developed to predict the effect of missense changes on protein structure and function are either unavailable or do not agree on the potential impact of this missense change (SIFT: "Deleterious"; PolyPhen-2: "Probably Damaging"; Align-GVGD: "Class C0"). In summary, the available evidence is currently insufficient to determine the role of this variant in disease. Therefore, it has been classified as a Variant of Uncertain Significance.

NM_001252024.2(TRPM1):c.3844C>T (p.Arg1282Trp)

Gene: TRPM1 (transient receptor potential cation channel subfamily M member 1; minus strand). Cytogenetic location: 15q13.3.
Variant type: single nucleotide variant.
Coding change: c.3844C>T on transcript NM_001252024.2 (MANE Select); coding-DNA position 3844, C replaced by T.
Protein change: p.Arg1282Trp; replaces arginine 1282 with tryptophan.
Molecular consequence: missense variant.
Genome position (GRCh38, 1-based): chr15:31,002,856, G>A on the plus strand (C>T on the coding strand, the complement: TRPM1 is on the minus strand). VCF-style: chr15-31002856-G-A. GRCh37 (hg19) VCF-style: chr15-31295059-G-A.
Other names: c.3895C>T, p.Arg1299Trp (NM_001252020.2); c.3778C>T, p.Arg1260Trp (NM_002420.6); short protein forms R1260W, R1282W, R1299W.
Identifiers: ClinVar variation 1986547 (VCV001986547.2), dbSNP rs372226363, ClinGen allele CA7451745.